The following is an entry in ClinVar:

ClinVar aggregate classification (germline): Uncertain significance (1 of 4 stars; one submission).

gnomAD v4.1: 2 of 1,613,500 alleles (0.00012%); highest among the groups gnomAD compares: Non-Finnish European, 0.00017%; no homozygotes.

Submission:

Labcorp Genetics (formerly Invitae), Labcorp
Classification: Uncertain significance. Last evaluated: 2021-08-11. Review status: criteria provided, single submitter. Criteria: Invitae Variant Classification Sherloc (09022015). Collection method: clinical testing. Allele origin: germline.
Comment: In summary, the available evidence is currently insufficient to determine the role of this variant in disease. Therefore, it has been classified as a Variant of Uncertain Significance. This variant disrupts the p.Ile458 amino acid residue in PTH1R. Other variant(s) that disrupt this residue have been observed in individuals with PTH1R-related conditions (PMID: 10487664, 23950054), which suggests that this may be a clinically significant amino acid residue. Algorithms developed to predict the effect of missense changes on protein structure and function (SIFT, PolyPhen-2, Align-GVGD) all suggest that this variant is likely to be disruptive, but these predictions have not been confirmed by published functional studies and their clinical significance is uncertain. This variant has not been reported in the literature in individuals with PTH1R-related conditions. This variant is not present in population databases (ExAC no frequency). This sequence change replaces isoleucine with valine at codon 458 of the PTH1R protein (p.Ile458Val). The isoleucine residue is highly conserved and there is a small physicochemical difference between isoleucine and valine.

Literature cited by the submitters: PubMed 10487664; PubMed 23950054.

NM_000316.3(PTH1R):c.1372A>G (p.Ile458Val)

Gene: PTH1R (parathyroid hormone 1 receptor; plus strand). Cytogenetic location: 3p21.31.
Variant type: single nucleotide variant.
Coding change: c.1372A>G on transcript NM_000316.3 (MANE Select); coding-DNA position 1372, A replaced by G.
Protein change: p.Ile458Val; replaces isoleucine 458 with valine.
Molecular consequence: missense variant.
Genome position (GRCh38, 1-based): chr3:46,902,767, A>G. VCF-style: chr3-46902767-A-G. GRCh37 (hg19) VCF-style: chr3-46944257-A-G.
Other names: c.1372A>G, p.Ile458Val (NM_001184744.1); short protein forms I458V.
Identifiers: ClinVar variation 1359832 (VCV001359832.8), dbSNP rs774702999, ClinGen allele CA352503276.